The following is an entry in ClinVar:

ClinVar aggregate classification (germline): Uncertain significance (1 of 4 stars; one submission).

gnomAD v4.1: 35 of 1,614,054 alleles (0.0022%); highest among the groups gnomAD compares: Non-Finnish European, 0.003%; no homozygotes.

Submission:

GeneDx
Classification: Uncertain significance. Last evaluated: 2025-08-04. Review status: criteria provided, single submitter. Criteria: GeneDx Variant Classification Process June 2021. Collection method: clinical testing. Allele origin: germline. Affected: yes.
Comment: Not observed at significant frequency in large population cohorts (gnomAD); In silico analysis supports that this missense variant has a deleterious effect on protein structure/function; Has not been previously published as pathogenic or benign to our knowledge

NM_004667.6(HERC2):c.11681C>T (p.Pro3894Leu)

Gene: HERC2 (HECT and RLD domain containing E3 ubiquitin protein ligase 2; minus strand). Cytogenetic location: 15q13.1.
Variant type: single nucleotide variant.
Coding change: c.11681C>T on transcript NM_004667.6 (MANE Select); coding-DNA position 11681, C replaced by T.
Protein change: p.Pro3894Leu; replaces proline 3894 with leucine.
Molecular consequence: missense variant.
Genome position (GRCh38, 1-based): chr15:28,142,257, G>A on the plus strand (C>T on the coding strand, the complement: HERC2 is on the minus strand). VCF-style: chr15-28142257-G-A. GRCh37 (hg19) VCF-style: chr15-28387403-G-A.
Other names: short protein forms P3894L.
Identifiers: ClinVar variation 4795511 (VCV004795511.1).